The following is an entry in ClinVar:

ClinVar aggregate classification (germline): Uncertain significance (1 of 4 stars; one submission).

Submission:

Labcorp Genetics (formerly Invitae), Labcorp
Classification: Uncertain significance. Last evaluated: 2022-03-12. Review status: criteria provided, single submitter. Criteria: Invitae Variant Classification Sherloc (09022015). Collection method: clinical testing. Allele origin: germline.
Comment: In summary, the available evidence is currently insufficient to determine the role of this variant in disease. Therefore, it has been classified as a Variant of Uncertain Significance. This variant has not been reported in the literature in individuals affected with CDK13-related conditions. This variant results in a copy number gain of the genomic region encompassing exon(s) 1-5 of the CDK13 gene. This region includes the initiator codon of the gene. This copy number gain extends beyond the assayed region for this gene and therefore may encompass additional genes. As the precise location of this event is unknown, it may be in tandem or it may be located elsewhere in the genome.

NC_000007.13:g.(?_39990241)_(40041650_?)dup

Gene: CDK13 (cyclin dependent kinase 13; plus strand). Cytogenetic location: 7p14.1.
Variant type: Duplication.
Identifiers: ClinVar variation 2424741 (VCV002424741.4).